The following is an entry in ClinVar:

NM_016239.4(MYO15A):c.3866+12G>A

Gene: MYO15A (myosin XVA; plus strand). Cytogenetic location: 17p11.2.
Variant type: single nucleotide variant.
Coding change: c.3866+12G>A on transcript NM_016239.4 (MANE Select); 12 bases into the intron after coding-DNA position 3866, G replaced by A.
Molecular consequence: intron variant.
Genome position (GRCh38, 1-based): chr17:18,126,468, G>A. VCF-style: chr17-18126468-G-A. GRCh37 (hg19) VCF-style: chr17-18029782-G-A.
Identifiers: ClinVar variation 505269 (VCV000505269.7), dbSNP rs533500962, ClinGen allele CA8423612.

ClinVar aggregate classification (germline): Likely benign. Review status: criteria provided, multiple submitters, no conflicts (2 of 4 stars). 2 submissions from 2 submitters: Likely benign (2). Last evaluated 2024-02-25.

Allele frequency attached by ClinVar (database versions not stated): ExAC 0.00008; TOPMed 0.00008; gnomAD exomes 0.00009; gnomAD 0.00010.
gnomAD v4.1: 112 of 1,611,652 alleles (0.0069%); highest among the groups gnomAD compares: Admixed American, 0.012%; 1 homozygote.

Submissions (2):

Labcorp Genetics (formerly Invitae), Labcorp
Classification: Likely benign. Last evaluated: 2024-02-25. Review status: criteria provided, single submitter. Criteria: Invitae Variant Classification Sherloc (09022015). Collection method: clinical testing. Allele origin: germline.

Laboratory for Molecular Medicine, Mass General Brigham Personalized Medicine
Classification: Likely benign. Last evaluated: 2016-08-09. Review status: criteria provided, single submitter. Criteria: LMM Criteria. Collection method: clinical testing. Allele origin: germline. Observed: 1 variant allele.
Comment: c.3866+12G>A in intron 5 of MYO15A: This variant is not expected to have clinica l significance because it is not located within the splice consensus sequence. I t has been identified in 0.01% (7/60276) of European chromosomes by the Exome Ag gregation Consortium (ExAC; dbSNP rs533500962).